The following is an entry in ClinVar:

NM_175614.5(NDUFA11):c.374T>C (p.Val125Ala)

Gene: NDUFA11 (NADH:ubiquinone oxidoreductase subunit A11; minus strand). Cytogenetic location: 19p13.3.
Variant type: single nucleotide variant.
Coding change: c.374T>C on transcript NM_175614.5 (MANE Select); coding-DNA position 374, T replaced by C.
Protein change: p.Val125Ala; replaces valine 125 with alanine.
Molecular consequence: missense variant. On other transcripts: non-coding transcript variant (1), intron variant (1).
Genome position (GRCh38, 1-based): chr19:5,894,794, A>G on the plus strand (T>C on the coding strand, the complement: NDUFA11 is on the minus strand). VCF-style: chr19-5894794-A-G. GRCh37 (hg19) VCF-style: chr19-5894805-A-G.
Other names: c.314-1504T>C (NM_001193375.3); short protein forms V125A.
Identifiers: ClinVar variation 2420697 (VCV002420697.4), dbSNP rs975045862, ClinGen allele CA304692737.

ClinVar aggregate classification (germline): Uncertain significance (1 of 4 stars; one submission).

Allele frequency attached by ClinVar (database versions not stated): gnomAD 0.00002; gnomAD exomes 0.00002; TOPMed 0.00004.
gnomAD v4.1: 12 of 1,613,498 alleles (0.00074%); highest among the groups gnomAD compares: Admixed American, 0.02%; no homozygotes.

Submission:

Labcorp Genetics (formerly Invitae), Labcorp
Classification: Uncertain significance. Last evaluated: 2025-09-02. Review status: criteria provided, single submitter. Criteria: Invitae Variant Classification Sherloc (09022015). Collection method: clinical testing. Allele origin: germline.
Comment: This sequence change replaces valine, which is neutral and non-polar, with alanine, which is neutral and non-polar, at codon 125 of the NDUFA11 protein (p.Val125Ala). This variant is present in population databases (no rsID available, gnomAD 0.01%). This variant has not been reported in the literature in individuals affected with NDUFA11-related conditions. ClinVar contains an entry for this variant (Variation ID: 2420697). An algorithm developed to predict the effect of missense changes on protein structure and function (PolyPhen-2) suggests that this variant is likely to be tolerated. In summary, the available evidence is currently insufficient to determine the role of this variant in disease. Therefore, it has been classified as a Variant of Uncertain Significance.